The following is an entry in ClinVar:

ClinVar aggregate classification (germline): Likely benign (1 of 4 stars; one submission).

Submission:

CeGaT Center for Human Genetics Tuebingen
Classification: Likely benign. Last evaluated: 2023-05-01. Review status: criteria provided, single submitter. Criteria: CeGaT Center For Human Genetics Tuebingen Variant Classification Criteria Version 2. Collection method: clinical testing. Allele origin: germline. Affected: yes. Observed: 3 variant alleles.
Comment: HRAS: BS1

NC_000011.10:g.530894G>C

Genes: HRAS (HRas proto-oncogene, GTPase; minus strand), LRRC56 (leucine rich repeat containing 56; plus strand). Cytogenetic location: 11p15.5.
Variant type: single nucleotide variant.
Genome position: GRCh38 VCF-style: chr11-530894-G-C. GRCh37 (hg19) VCF-style: chr11-530894-G-C.
Identifiers: ClinVar variation 2641063 (VCV002641063.24), dbSNP rs796506029, ClinGen allele CA216941527.